The following is an entry in ClinVar:

NM_198525.3(KIF7):c.2672G>C (p.Arg891Thr)

Gene: KIF7 (kinesin family member 7; minus strand). Cytogenetic location: 15q26.1.
Variant type: single nucleotide variant.
Coding change: c.2672G>C on transcript NM_198525.3 (MANE Select); coding-DNA position 2672, G replaced by C.
Protein change: p.Arg891Thr; replaces arginine 891 with threonine.
Molecular consequence: missense variant.
Genome position (GRCh38, 1-based): chr15:89,633,187, C>G on the plus strand (G>C on the coding strand, the complement: KIF7 is on the minus strand). VCF-style: chr15-89633187-C-G. GRCh37 (hg19) VCF-style: chr15-90176418-C-G.
Other names: short protein forms R891T.
Identifiers: ClinVar variation 194289 (VCV000194289.31), dbSNP rs143250090, ClinGen allele CA020289.

ClinVar aggregate classification (germline): Conflicting classifications of pathogenicity. Review status: criteria provided, conflicting classifications (1 of 4 stars). 8 submissions from 8 submitters: Uncertain significance (6); Likely benign (2). Last evaluated 2025-12-17.

Conditions:
Multiple epiphyseal dysplasia, Al-Gazali type. Also called: Macrocephaly with multiple epiphyseal dysplasia and distinctive facies. Identifiers: Orphanet 166024, MedGen C1846722, MONDO:0011778, OMIM 607131.
Acrocallosal syndrome (ACLS). Also called: HALLUX DUPLICATION, POSTAXIAL POLYDACTYLY, AND ABSENCE OF CORPUS CALLOSUM; Schinzel syndrome 1; Absence of corpus callosum with unusual facial appearance, mental deficiency, duplication of the halluces and polydactyly. Identifiers: Orphanet 36, MedGen C0796147, MONDO:0008708, OMIM 200990.
Hydrolethalus syndrome 2 (HLS2). Identifiers: Orphanet 2189, MedGen C3279899, MONDO:0013585, OMIM 614120.

Allele frequency attached by ClinVar (database versions not stated): gnomAD exomes 0.00004 and 0.00009; ExAC 0.00014; 1000 Genomes Project 30x 0.00031; ESP Exome Variant Server 0.00031; gnomAD 0.00040 and 0.00046; TOPMed 0.00051.
gnomAD v4.1: 123 of 1,605,716 alleles (0.0077%); highest among the groups gnomAD compares: African/African-American, 0.15%; no homozygotes.

Submissions (8):

Labcorp Genetics (formerly Invitae), Labcorp
Classification: Uncertain significance for Acrocallosal syndrome. Last evaluated: 2025-12-17. Review status: criteria provided, single submitter. Criteria: Invitae Variant Classification Sherloc (09022015). Collection method: clinical testing. Allele origin: germline.
Comment: This sequence change replaces arginine, which is basic and polar, with threonine, which is neutral and polar, at codon 891 of the KIF7 protein (p.Arg891Thr). This variant is present in population databases (rs143250090, gnomAD 0.1%). This variant has not been reported in the literature in individuals affected with KIF7-related conditions. ClinVar contains an entry for this variant (Variation ID: 194289). Invitae Evidence Modeling of protein sequence and biophysical properties (such as structural, functional, and spatial information, amino acid conservation, physicochemical variation, residue mobility, and thermodynamic stability) indicates that this missense variant is not expected to disrupt KIF7 protein function with a negative predictive value of 80%. In summary, the available evidence is currently insufficient to determine the role of this variant in disease. Therefore, it has been classified as a Variant of Uncertain Significance.

CeGaT Center for Human Genetics Tuebingen
Classification: Likely benign. Last evaluated: 2024-09-01. Review status: criteria provided, single submitter. Criteria: CeGaT Center For Human Genetics Tuebingen Variant Classification Criteria Version 2. Collection method: clinical testing. Allele origin: germline. Affected: yes. Observed: 1 variant allele.
Comment: KIF7: PM2, BS2

Fulgent Genetics
Classification: Uncertain significance for Acrocallosal syndrome; Multiple epiphyseal dysplasia, Al-Gazali type; Hydrolethalus syndrome 2. Last evaluated: 2024-05-23. Review status: criteria provided, single submitter. Criteria: ACMG Guidelines, 2015. Collection method: clinical testing. Allele origin: germline.

Blueprint Genetics
Classification: Likely benign. Last evaluated: 2023-11-28. Review status: criteria provided, single submitter. Criteria: ACMG Guidelines, 2015. Collection method: clinical testing. Allele origin: germline.

GeneDx
Classification: Uncertain significance. Last evaluated: 2023-08-30. Review status: criteria provided, single submitter. Criteria: GeneDx Variant Classification Process June 2021. Collection method: clinical testing. Allele origin: germline. Affected: yes.
Comment: In silico analysis supports that this missense variant has a deleterious effect on protein structure/function; Has not been previously published as pathogenic or benign to our knowledge

New York Genome Center
Classification: Uncertain significance. Last evaluated: 2021-04-16. Review status: criteria provided, single submitter. Criteria: NYGC Assertion Criteria 2020. Collection method: clinical testing. Allele origin: germline. Observed: 1 variant allele. Study: CSER-NYCKidSeq.

Baylor Genetics
Classification: Uncertain significance for Multiple epiphyseal dysplasia, Al-Gazali type. Last evaluated: 2019-12-26. Review status: criteria provided, single submitter. Criteria: ACMG Guidelines, 2015. Collection method: clinical testing. Allele origin: unknown. Affected: yes.
Comment: This variant was determined to be of uncertain significance according to ACMG Guidelines, 2015 [PMID:25741868].

Eurofins Ntd Llc (ga)
Classification: Uncertain significance. Last evaluated: 2017-04-19. Review status: criteria provided, single submitter. Criteria: EGL Classification Definitions 2015. Collection method: clinical testing. Allele origin: germline. Observed: 2 variant alleles, 2 heterozygotes.